The following is an entry in ClinVar:

ClinVar aggregate classification (germline): Benign. Review status: reviewed by expert panel (3 of 4 stars). 7 submissions from 7 submitters: Benign (1). 6 of the submissions do not count toward it. Last evaluated 2026-05-20.

Conditions:
Ornithine carbamoyltransferase deficiency (OTCD). Also called: ORNITHINE TRANSCARBAMYLASE DEFICIENCY; ORNITHINE TRANSCARBAMYLASE DEFICIENCY, HYPERAMMONEMIA DUE TO; Ornithine Carbamoyltransferase Deficiency Disease; OTC DEFICIENCY. Identifiers: Orphanet 664, MedGen C0268542, MONDO:0010703, OMIM 311250.

Allele frequency attached by ClinVar (database versions not stated): gnomAD 0.00001 and 0.00002; TOPMed 0.00002; ESP Exome Variant Server 0.00009; 1000 Genomes Project 30x 0.00021; 1000 Genomes Project 0.00026.
gnomAD v4.1: 24 of 1,197,152 alleles (0.002%); highest among the groups gnomAD compares: East Asian, 0.0059%; no homozygotes.

Submissions (7):

Clingen Urea Cycle Disorders Variant Curation Expert Panel, ClinGen
Classification: Benign for Ornithine carbamoyltransferase deficiency. Last evaluated: 2026-05-20. Review status: reviewed by expert panel. Criteria: ClinGen UreaCycles ACMG Specifications OTC V1.0. Collection method: curation. Allele origin: germline. Inheritance: X-linked inheritance.
Comment: The NM_000531.6:c.147C>T (p.Thr49=) variant in OTC is a synonymous variant in exon 2 of the OTC gene. There are 10 hemizygous males in gnomAD v.4.1.0. This variant being observed in ≥10 (female) homozygotes or (male) hemizygotes in the most current version of gnomAD available at the time of curation (v.4.1.0), The NM_000531.6:c.147C>T (p.Thr49=) meets BP4 (Splice AI predicts no impact of the variant on splicing) (BP4, BP7) In summary, this variant meets the criteria to be classified as a benign variant for OTC deficiency based on the ACMG/AMP criteria applied, as specified by the ClinGen Urea Cycle Disorders Variant Curation Expert Panel (OTC specifications version 1.0.0): BA1, BP4, BP7

CeGaT Center for Human Genetics Tuebingen
Classification: Likely benign. Last evaluated: 2026-09-01. Review status: criteria provided, single submitter. Criteria: CeGaT Center For Human Genetics Tuebingen Variant Classification Criteria Version 2. Collection method: clinical testing. Allele origin: germline. Affected: yes. Observed: 1 variant allele. Not counted in ClinVar's aggregate classification.
Comment: OTC: BP4, BP7, BS2

Labcorp Genetics (formerly Invitae), Labcorp
Classification: Benign for Ornithine carbamoyltransferase deficiency. Last evaluated: 2026-01-26. Review status: criteria provided, single submitter. Criteria: Invitae Variant Classification Sherloc (09022015). Collection method: clinical testing. Allele origin: germline. Not counted in ClinVar's aggregate classification.

Blueprint Genetics
Classification: Likely benign. Last evaluated: 2024-06-18. Review status: criteria provided, single submitter. Criteria: ACMG Guidelines, 2015. Collection method: clinical testing. Allele origin: germline. Not counted in ClinVar's aggregate classification.

Color Diagnostics, LLC DBA Color Health
Classification: Likely benign for Ornithine carbamoyltransferase deficiency. Last evaluated: 2022-04-21. Review status: criteria provided, single submitter. Criteria: ACMG Guidelines, 2015. Collection method: clinical testing. Allele origin: germline. Not counted in ClinVar's aggregate classification.

GeneDx
Classification: Likely benign. Last evaluated: 2018-12-14. Review status: criteria provided, single submitter. Criteria: GeneDx Variant Classification Process June 2021. Collection method: clinical testing. Allele origin: germline. Affected: yes. Not counted in ClinVar's aggregate classification.

Natera, Inc.
Classification: Likely benign for Ornithine transcarbamylase deficiency. Last evaluated: 2020-02-12. Review status: no assertion criteria provided. Collection method: clinical testing. Allele origin: germline. Not counted in ClinVar's aggregate classification.

NM_000531.6(OTC):c.147C>T (p.Thr49=)

Gene: OTC (ornithine transcarbamylase; plus strand). Cytogenetic location: Xp11.4.
Variant type: single nucleotide variant.
Coding change: c.147C>T on transcript NM_000531.6 (MANE Select); coding-DNA position 147, C replaced by T.
Protein change: p.Thr49=; no amino-acid change (threonine 49 retained).
Molecular consequence: synonymous variant.
Genome position (GRCh38, 1-based): chrX:38,367,360, C>T. VCF-style: chrX-38367360-C-T. GRCh37 (hg19) VCF-style: chrX-38226613-C-T.
Identifiers: ClinVar variation 1166654 (VCV001166654.20), dbSNP rs144153859, ClinGen allele CA10385792.